The following is an entry in ClinVar:

ClinVar aggregate classification (germline): Uncertain significance (1 of 4 stars; one submission).

Conditions:
Familial adenomatous polyposis 1 (FAP1). Also called: POLYPOSIS, ADENOMATOUS INTESTINAL; FAMILIAL ADENOMATOUS POLYPOSIS 1, ATTENUATED. Identifiers: MedGen C2713442, MONDO:0021056, OMIM 175100. Disease mechanism: loss of function.

Submission:

Labcorp Genetics (formerly Invitae), Labcorp
Classification: Uncertain significance for Familial adenomatous polyposis 1. Last evaluated: 2024-11-11. Review status: criteria provided, single submitter. Criteria: Invitae Variant Classification Sherloc (09022015). Collection method: clinical testing. Allele origin: germline.
Comment: This sequence change replaces asparagine, which is neutral and polar, with serine, which is neutral and polar, at codon 709 of the APC protein (p.Asn709Ser). This variant is not present in population databases (gnomAD no frequency). This variant has not been reported in the literature in individuals affected with APC-related conditions. Invitae Evidence Modeling of protein sequence and biophysical properties (such as structural, functional, and spatial information, amino acid conservation, physicochemical variation, residue mobility, and thermodynamic stability) indicates that this missense variant is not expected to disrupt APC protein function with a negative predictive value of 95%. In summary, the available evidence is currently insufficient to determine the role of this variant in disease. Therefore, it has been classified as a Variant of Uncertain Significance.

NM_000038.6(APC):c.2126A>G (p.Asn709Ser)

Gene: APC (APC regulator of Wnt signaling pathway; plus strand). Cytogenetic location: 5q22.2.
Variant type: single nucleotide variant.
Coding change: c.2126A>G on transcript NM_000038.6 (MANE Select); coding-DNA position 2126, A replaced by G.
Protein change: p.Asn709Ser; replaces asparagine 709 with serine.
Molecular consequence: missense variant. On other transcripts: non-coding transcript variant (2).
Genome position (GRCh38, 1-based): chr5:112,837,720, A>G. VCF-style: chr5-112837720-A-G. GRCh37 (hg19) VCF-style: chr5-112173417-A-G.
Other names: c.2126A>G, p.Asn709Ser (NM_001127510.3, NM_001354895.2, NM_001407450.1); c.2072A>G, p.Asn691Ser (NM_001127511.3); c.2180A>G, p.Asn727Ser (NM_001354896.2, NM_001407447.1, NM_001407448.1 and 1 more transcripts); c.2156A>G, p.Asn719Ser (NM_001354897.2); c.2051A>G, p.Asn684Ser (NM_001354898.2); c.2042A>G, p.Asn681Ser (NM_001354899.2); c.2003A>G, p.Asn668Ser (NM_001354900.2); c.1949A>G, p.Asn650Ser (NM_001354901.2, NM_001407453.1); and 11 more; short protein forms N325S, N549S, N618S, N650S, N668S, N702S, N727S, N583S.
Identifiers: ClinVar variation 3679806 (VCV003679806.2).